The following is an entry in ClinVar:

NM_001243925.2(MAPKAPK3):c.350T>C (p.Ile117Thr)

Gene: MAPKAPK3 (MAPK activated protein kinase 3; plus strand). Cytogenetic location: 3p21.2.
Variant type: single nucleotide variant.
Coding change: c.350T>C on transcript NM_001243925.2 (MANE Select); coding-DNA position 350, T replaced by C.
Protein change: p.Ile117Thr; replaces isoleucine 117 with threonine.
Molecular consequence: missense variant.
Genome position (GRCh38, 1-based): chr3:50,640,496, T>C. VCF-style: chr3-50640496-T-C. GRCh37 (hg19) VCF-style: chr3-50677927-T-C.
Other names: c.350T>C, p.Ile117Thr (NM_001243926.2, NM_004635.5); short protein forms I117T.
Identifiers: ClinVar variation 1042447 (VCV001042447.5), dbSNP rs1032039030, ClinGen allele CA74623925.

ClinVar aggregate classification (germline): Uncertain significance (1 of 4 stars; one submission).

Allele frequency attached by ClinVar (database versions not stated): gnomAD exomes below 0.00001; gnomAD 0.00001; TOPMed 0.00001.
gnomAD v4.1: 2 of 1,611,138 alleles (0.00012%); highest among the groups gnomAD compares: Non-Finnish European, 0.00017%; no homozygotes.

Submission:

Labcorp Genetics (formerly Invitae), Labcorp
Classification: Uncertain significance. Last evaluated: 2020-03-24. Review status: criteria provided, single submitter. Criteria: Invitae Variant Classification Sherloc (09022015). Collection method: clinical testing. Allele origin: germline.
Comment: In summary, the available evidence is currently insufficient to determine the role of this variant in disease. Therefore, it has been classified as a Variant of Uncertain Significance. Algorithms developed to predict the effect of missense changes on protein structure and function are either unavailable or do not agree on the potential impact of this missense change (SIFT: "Deleterious"; PolyPhen-2: "Benign"; Align-GVGD: "Class C25"). This variant has not been reported in the literature in individuals with MAPKAPK3-related conditions. This variant is not present in population databases (ExAC no frequency). This sequence change replaces isoleucine with threonine at codon 117 of the MAPKAPK3 protein (p.Ile117Thr). The isoleucine residue is weakly conserved and there is a moderate physicochemical difference between isoleucine and threonine.